The following is an entry in ClinVar:

NM_001378615.1(CC2D2A):c.176del (p.Asn59fs)

Genes: CC2D2A (coiled-coil and C2 domain containing 2A; plus strand), FBXL5 (F-box and leucine rich repeat protein 5; minus strand). Cytogenetic location: 4p15.32.
Variant type: Deletion.
Coding change: c.176del on transcript NM_001378615.1 (MANE Select); coding-DNA position 176, one base deleted (A; older notation c.176delA).
Protein change: p.Asn59fs; shifts the reading frame from asparagine 59.
Molecular consequence: frameshift variant.
Genome position (GRCh38, 1-based): chr4:15,480,756, A deleted; the last of 2 consecutive A bases (chr4:15,480,755-15,480,756); deleting either gives the same sequence. VCF-style (leftmost placement, unchanged base first): chr4-15480754-CA-C. GRCh37 (hg19) VCF-style: chr4-15482378-CA-C.
Other names: c.176delA (NM_001080522.2); c.176del, p.Asn59fs (NM_001080522.2, NM_001164720.3); c.29del, p.Asn10fs (NM_001378617.1); c.282del, p.Gln94fs (NM_020785.2); short protein forms N59fs, Q94fs, N10fs.
Identifiers: ClinVar variation 419063 (VCV000419063.2), dbSNP rs1064793618, ClinGen allele CA16618033.
Genomic context (GRCh38, chr4:15,480,754, plus strand): 5'-CTTCCTCCAGCCACCAACTGCTGTCCCCAAGGAAATGGTGTCCGAAAAATCCCACCTTGG[CA>C]ACCCCCAGGAGCCTGTGCAGGAGGAGCCCAAGACCCGCCTCCTGAGTATGACAGTCCGGA-3'

ClinVar aggregate classification (germline): Pathogenic (1 of 4 stars; one submission).

Submission:

GeneDx
Classification: Pathogenic. Last evaluated: 2015-06-02. Review status: criteria provided, single submitter. Criteria: GeneDx Variant Classification (06012015). Collection method: clinical testing. Allele origin: germline. Affected: yes.
Comment: The c.176delA deletion in the CC2D2A gene has not been reported previously as a pathogenic variant nor as a benign polymorphism, to our knowledge. The c.176delA deletion causes a frameshiftstarting with codon Asparagine 59, changes this amino acid to a Threonine residue, and creates apremature Stop codon at position 15 of the new reading frame, denoted p.Asn59ThrfsX15. This variant ispredicted to cause loss of normal protein function either through protein truncation or nonsense-mediatedmRNA decay. The c.176delA deletion was not observed in approximately 6,000 individuals of Europeanand African American ancestry in the NHLBI Exome Sequencing Project, indicating it is not a commonbenign variant in these populations. We interpret c.176delA as a pathogenic variant.